The following is an entry in ClinVar:

NM_004006.3(DMD):c.7169A>G (p.Tyr2390Cys)

Gene: DMD (dystrophin; minus strand). Cytogenetic location: Xp21.1.
Variant type: single nucleotide variant.
Coding change: c.7169A>G on transcript NM_004006.3 (MANE Select); coding-DNA position 7169, A replaced by G.
Protein change: p.Tyr2390Cys; replaces tyrosine 2390 with cysteine.
Molecular consequence: missense variant. On other transcripts: 5 prime UTR variant (5).
Genome position (GRCh38, 1-based): chrX:31,836,749, T>C on the plus strand (A>G on the coding strand, the complement: DMD is on the minus strand). VCF-style: chrX-31836749-T-C. GRCh37 (hg19) VCF-style: chrX-31854866-T-C.
Other names: c.7145A>G, p.Tyr2382Cys (NM_000109.4); c.7157A>G, p.Tyr2386Cys (NM_004009.3); c.6800A>G, p.Tyr2267Cys (NM_004010.3); c.3146A>G, p.Tyr1049Cys (NM_004011.4); c.3137A>G, p.Tyr1046Cys (NM_004012.4); c.-212A>G (NM_004013.3, NM_004020.4, NM_004021.3 and 2 more transcripts); short protein forms Y1046C, Y1049C, Y2267C, Y2382C, Y2386C, Y2390C.
Identifiers: ClinVar variation 2499126 (VCV002499126.28), dbSNP rs1420914249, ClinGen allele CA412659281.
Genomic context (GRCh38, chrX:31,836,749, plus strand): 5'-ATGGATATTGCTAGAGGTTGCTTCATTACCTTCACTGGCTGAGTGGCTGGTTTTTCCTTG[T>C]ACAAATGCTGCCCTTTAGACAAAATCTCTTCCACATCCGGTTGTTTAGCTTGAACTGCTA-3'
Protein context (NP_003997.2, residues 2380-2400): EEILSKGQHL[Tyr2390Cys]KEKPATQPVK

ClinVar aggregate classification (germline): Conflicting classifications of pathogenicity. Review status: criteria provided, conflicting classifications (1 of 4 stars). 2 submissions from 2 submitters: Uncertain significance (1); Likely benign (1). Last evaluated 2025-05-03.

Conditions:
Cardiovascular phenotype. Identifiers: MedGen CN230736.

Allele frequency attached by ClinVar (database versions not stated): gnomAD exomes below 0.00001; gnomAD 0.00002; TOPMed 0.00002.
gnomAD v4.1: 7 of 1,210,254 alleles (0.00058%); highest among the groups gnomAD compares: African/African-American, 0.0017%; no homozygotes.

Submissions (2):

Ambry Genetics
Classification: Uncertain significance for Cardiovascular phenotype. Last evaluated: 2025-05-03. Review status: criteria provided, single submitter. Criteria: Ambry Variant Classification Scheme 2023. Collection method: clinical testing. Allele origin: germline.
Comment: The p.Y2390C variant (also known as c.7169A>G), located in coding exon 49 of the DMD gene, results from an A to G substitution at nucleotide position 7169. The tyrosine at codon 2390 is replaced by cysteine, an amino acid with highly dissimilar properties. This amino acid position is highly conserved in available vertebrate species. In addition, the in silico prediction for this alteration is inconclusive. Based on the available evidence, the clinical significance of this variant remains unclear.

CeGaT Center for Human Genetics Tuebingen
Classification: Likely benign. Last evaluated: 2023-01-01. Review status: criteria provided, single submitter. Criteria: CeGaT Center For Human Genetics Tuebingen Variant Classification Criteria Version 2. Collection method: clinical testing. Allele origin: germline. Affected: yes. Observed: 1 variant allele.
Comment: DMD: BP4